The following is an entry in ClinVar:

NM_015629.4(PRPF31):c.330_333del (p.His111fs)

Genes: PRPF31 (pre-mRNA processing factor 31; plus strand), PRPF31-AS1 (PRPF31 antisense RNA 1; minus strand). Cytogenetic location: 19q13.42.
Variant type: Deletion.
Coding change: c.330_333del on transcript NM_015629.4 (MANE Select); coding-DNA positions 330 to 333, 4 bases deleted (CCAT; older notation c.330_333delCCAT).
Protein change: p.His111fs; shifts the reading frame from histidine 111.
Molecular consequence: frameshift variant.
Genome position (GRCh38, 1-based): chr19:54,122,504-54,122,507, CCAT deleted; deleting any 4 consecutive bases within chr19:54,122,501-54,122,507 gives the same sequence; the c. name uses the placement nearest the transcript's 3' end. VCF-style (leftmost placement, unchanged base first): chr19-54122500-TCATC-T. GRCh37 (hg19) VCF-style: chr19-54625879-TCATC-T.
Other names: short protein forms H111fs.
Identifiers: ClinVar variation 866645 (VCV000866645.11), dbSNP rs2073817463, ClinGen allele CA916083731.

ClinVar aggregate classification (germline): Pathogenic. Review status: criteria provided, multiple submitters, no conflicts (2 of 4 stars). 2 submissions from 2 submitters: Pathogenic (2). Last evaluated 2025-04-16.

Conditions:
PRPF31-related disorder. Also called: PRPF31-related condition.

Submissions (2):

Labcorp Genetics (formerly Invitae), Labcorp
Classification: Pathogenic. Last evaluated: 2025-04-16. Review status: criteria provided, single submitter. Criteria: Invitae Variant Classification Sherloc (09022015). Collection method: clinical testing. Allele origin: germline.
Comment: This sequence change creates a premature translational stop signal (p.His111Serfs*86) in the PRPF31 gene. It is expected to result in an absent or disrupted protein product. Loss-of-function variants in PRPF31 are known to be pathogenic (PMID: 18317597, 23950152). This variant is not present in population databases (gnomAD no frequency). This premature translational stop signal has been observed in individual(s) with retinitis pigmentosa (PMID: 30543658). ClinVar contains an entry for this variant (Variation ID: 866645). For these reasons, this variant has been classified as Pathogenic.

Blueprint Genetics
Classification: Pathogenic for PRPF31-related disorders. Last evaluated: 2019-07-17. Review status: criteria provided, single submitter. Criteria: ACMG Guidelines, 2015. Collection method: clinical testing. Allele origin: germline. Affected: yes. Observed: 1 variant allele.

Literature cited by the submitters: PubMed 18317597 (cited by Labcorp Genetics (formerly Invitae), Labcorp); PubMed 23950152 (cited by Labcorp Genetics (formerly Invitae), Labcorp); PubMed 30543658 (cited by Labcorp Genetics (formerly Invitae), Labcorp).